The following is an entry in ClinVar:

NM_004481.5(GALNT2):c.383G>A (p.Arg128Gln)

Gene: GALNT2 (polypeptide N-acetylgalactosaminyltransferase 2; plus strand). Cytogenetic location: 1q42.13.
Variant type: single nucleotide variant.
Coding change: c.383G>A on transcript NM_004481.5 (MANE Select); coding-DNA position 383, G replaced by A.
Protein change: p.Arg128Gln; replaces arginine 128 with glutamine.
Molecular consequence: missense variant.
Genome position (GRCh38, 1-based): chr1:230,236,022, G>A. VCF-style: chr1-230236022-G-A. GRCh37 (hg19) VCF-style: chr1-230371768-G-A.
Other names: c.269G>A, p.Arg90Gln (NM_001291866.2); c.383G>A (NM_004481.3); short protein forms R128Q, R90Q.
Identifiers: ClinVar variation 1435685 (VCV001435685.6), dbSNP rs556141120, ClinGen allele CA1446115.

ClinVar aggregate classification (germline): Uncertain significance. Review status: criteria provided, multiple submitters, no conflicts (2 of 4 stars). 2 submissions from 2 submitters: Uncertain significance (2). Last evaluated 2024-03-19.

Conditions:
Inborn genetic diseases. Identifiers: MedGen C0950123, MeSH D030342.

Allele frequency attached by ClinVar (database versions not stated): gnomAD exomes 0.00001 and 0.00002; ExAC 0.00003; TOPMed 0.00003; gnomAD 0.00005 and 0.00006; 1000 Genomes Project 30x 0.00016; 1000 Genomes Project 0.00020.
gnomAD v4.1: 20 of 1,614,074 alleles (0.0012%); highest among the groups gnomAD compares: Middle Eastern, 0.016%; no homozygotes.

Submissions (2):

Ambry Genetics
Classification: Uncertain significance for Inborn genetic diseases. Last evaluated: 2024-03-19. Review status: criteria provided, single submitter. Criteria: Ambry Variant Classification Scheme 2023. Collection method: clinical testing. Allele origin: germline.

Labcorp Genetics (formerly Invitae), Labcorp
Classification: Uncertain significance. Last evaluated: 2021-09-24. Review status: criteria provided, single submitter. Criteria: Invitae Variant Classification Sherloc (09022015). Collection method: clinical testing. Allele origin: germline.
Comment: This sequence change replaces arginine with glutamine at codon 128 of the GALNT2 protein (p.Arg128Gln). The arginine residue is moderately conserved and there is a small physicochemical difference between arginine and glutamine. This variant is present in population databases (rs556141120, ExAC 0.01%). This variant has not been reported in the literature in individuals with GALNT2-related conditions. Algorithms developed to predict the effect of missense changes on protein structure and function (SIFT, PolyPhen-2, Align-GVGD) all suggest that this variant is likely to be tolerated, but these predictions have not been confirmed by published functional studies and their clinical significance is uncertain. In summary, the available evidence is currently insufficient to determine the role of this variant in disease. Therefore, it has been classified as a Variant of Uncertain Significance.